The following is an entry in ClinVar:

ClinVar aggregate classification (germline): Pathogenic. Review status: criteria provided, multiple submitters, no conflicts (2 of 4 stars). 2 submissions from 2 submitters: Pathogenic (2). Last evaluated 2024-11-14.

Conditions:
Primary ciliary dyskinesia. Also called: Ciliary dyskinesia. Identifiers: Orphanet 244, MedGen C0008780, MONDO:0016575, HP:0012265.

Allele frequency attached by ClinVar (database versions not stated): gnomAD 0.00001; 1000 Genomes Project 30x 0.00016; 1000 Genomes Project 0.00020.
gnomAD v4.1: 2 of 1,613,450 alleles (0.00012%); highest among the groups gnomAD compares: African/African-American, 0.0027%; no homozygotes.

Submissions (2):

Molecular Genetics McLendon Clinical Laboratories, University of North Carolina at Chapel Hill
Classification: Pathogenic for Primary ciliary dyskinesia. Last evaluated: 2024-11-14. Review status: criteria provided, single submitter. Criteria: ACMG Guidelines, 2015. Collection method: clinical testing. Allele origin: germline. Affected: yes.

Labcorp Genetics (formerly Invitae), Labcorp
Classification: Pathogenic for Primary ciliary dyskinesia. Last evaluated: 2023-05-30. Review status: criteria provided, single submitter. Criteria: Invitae Variant Classification Sherloc (09022015). Collection method: clinical testing. Allele origin: germline.
Comment: For these reasons, this variant has been classified as Pathogenic. ClinVar contains an entry for this variant (Variation ID: 663179). This variant has not been reported in the literature in individuals affected with DNAH11-related conditions. This variant is present in population databases (rs559143773, gnomAD 0.007%). This sequence change creates a premature translational stop signal (p.Tyr437*) in the DNAH11 gene. It is expected to result in an absent or disrupted protein product. Loss-of-function variants in DNAH11 are known to be pathogenic (PMID: 18022865, 20513915, 22184204).

Literature cited by the submitters: PubMed 18022865 (cited by Labcorp Genetics (formerly Invitae), Labcorp); PubMed 20513915 (cited by Labcorp Genetics (formerly Invitae), Labcorp); PubMed 22184204 (cited by Labcorp Genetics (formerly Invitae), Labcorp).

NM_001277115.2(DNAH11):c.1311T>A (p.Tyr437Ter)

Gene: DNAH11 (dynein axonemal heavy chain 11; plus strand). Cytogenetic location: 7p15.3.
Variant type: single nucleotide variant.
Coding change: c.1311T>A on transcript NM_001277115.2 (MANE Select); coding-DNA position 1311, T replaced by A.
Protein change: p.Tyr437Ter; replaces tyrosine 437 with a stop codon.
Molecular consequence: nonsense.
Genome position (GRCh38, 1-based): chr7:21,570,185, T>A. VCF-style: chr7-21570185-T-A. GRCh37 (hg19) VCF-style: chr7-21609803-T-A.
Other names: short protein forms Y437*.
Identifiers: ClinVar variation 663179 (VCV000663179.8), dbSNP rs559143773, ClinGen allele CA4178951.